The following is an entry in ClinVar:

NM_001365951.3(KIF1B):c.4327G>A (p.Glu1443Lys)

Gene: KIF1B (kinesin family member 1B; plus strand). Cytogenetic location: 1p36.22.
Variant type: single nucleotide variant.
Coding change: c.4327G>A on transcript NM_001365951.3 (MANE Select); coding-DNA position 4327, G replaced by A.
Protein change: p.Glu1443Lys; replaces glutamic acid 1443 with lysine.
Molecular consequence: missense variant.
Genome position (GRCh38, 1-based): chr1:10,363,305, G>A. VCF-style: chr1-10363305-G-A. GRCh37 (hg19) VCF-style: chr1-10423363-G-A.
Other names: c.4327G>A, p.Glu1443Lys (NM_001365952.1); c.4189G>A, p.Glu1397Lys (NM_015074.3); short protein forms E1397K, E1443K.
Identifiers: ClinVar variation 4092306 (VCV004092306.1).
Genomic context (GRCh38, chr1:10,363,305, plus strand): 5'-TTAAGAGATTAAACAATTGTTTTATTTTCTTCAAATAGGAATCGAGTCACTGGCATTTAC[G>A]AACTCAGCTTATGCAAAATGTCAGACACAGGTAGTCCAGGTAAGCTCTTGTGGATTGAGG-3'
Protein context (NP_001352880.1, residues 1433-1453): PDSNRVTGIY[Glu1443Lys]LSLCKMSDTG

ClinVar aggregate classification (germline): Uncertain significance (1 of 4 stars; one submission).

gnomAD v4.1: 9 of 1,613,486 alleles (0.00056%); highest among the groups gnomAD compares: Non-Finnish European, 0.00076%; no homozygotes.

Submission:

Ambry Genetics
Classification: Uncertain significance. Last evaluated: 2025-07-28. Review status: criteria provided, single submitter. Criteria: Ambry Variant Classification Scheme 2023. Collection method: clinical testing. Allele origin: germline.
Comment: The p.E1397K variant (also known as c.4189G>A), located in coding exon 38 of the KIF1B gene, results from a G to A substitution at nucleotide position 4189. The glutamic acid at codon 1397 is replaced by lysine, an amino acid with similar properties. This amino acid position is conserved. In addition, this alteration is predicted to be deleterious by in silico analysis. Based on the available evidence, the clinical significance of this variant remains unclear.